The following is an entry in ClinVar:

NM_000066.4(C8B):c.1142A>G (p.Asn381Ser)

Gene: C8B (complement C8 beta chain; minus strand). Cytogenetic location: 1p32.2.
Variant type: single nucleotide variant.
Coding change: c.1142A>G on transcript NM_000066.4 (MANE Select); coding-DNA position 1142, A replaced by G.
Protein change: p.Asn381Ser; replaces asparagine 381 with serine.
Molecular consequence: missense variant.
Genome position (GRCh38, 1-based): chr1:56,943,788, T>C on the plus strand (A>G on the coding strand, the complement: C8B is on the minus strand). VCF-style: chr1-56943788-T-C. GRCh37 (hg19) VCF-style: chr1-57409461-T-C.
Other names: c.986A>G, p.Asn329Ser (NM_001278543.2); c.956A>G, p.Asn319Ser (NM_001278544.2); short protein forms N319S, N381S, N329S.
Identifiers: ClinVar variation 2393917 (VCV002393917.3), dbSNP rs1457397105, ClinGen allele CA340524950.

ClinVar aggregate classification (germline): Uncertain significance. Review status: criteria provided, multiple submitters, no conflicts (2 of 4 stars). 2 submissions from 2 submitters: Uncertain significance (2). Last evaluated 2023-03-08.

Conditions:
Inborn genetic diseases. Identifiers: MedGen C0950123, MeSH D030342.

Allele frequency attached by ClinVar (database versions not stated): gnomAD exomes below 0.00001; gnomAD 0.00001; TOPMed 0.00002.
gnomAD v4.1: 13 of 1,613,892 alleles (0.00081%); highest among the groups gnomAD compares: East Asian, 0.0089%; no homozygotes.

Submissions (2):

Labcorp Genetics (formerly Invitae), Labcorp
Classification: Uncertain significance. Last evaluated: 2023-03-08. Review status: criteria provided, single submitter. Criteria: Invitae Variant Classification Sherloc (09022015). Collection method: clinical testing. Allele origin: germline.
Comment: This variant has not been reported in the literature in individuals affected with C8B-related conditions. In summary, the available evidence is currently insufficient to determine the role of this variant in disease. Therefore, it has been classified as a Variant of Uncertain Significance. An algorithm developed to predict the effect of missense changes on protein structure and function (PolyPhen-2) suggests that this variant¬† is likely to be tolerated. ClinVar contains an entry for this variant (Variation ID: 2393917). This variant is present in population databases (no rsID available, gnomAD no frequency). This sequence change replaces asparagine, which is neutral and polar, with serine, which is neutral and polar, at codon 381 of the C8B protein (p.Asn381Ser).

Ambry Genetics
Classification: Uncertain significance for Inborn genetic diseases. Last evaluated: 2022-05-25. Review status: criteria provided, single submitter. Criteria: Ambry Variant Classification Scheme 2023. Collection method: clinical testing. Allele origin: germline.